The following is an entry in ClinVar:

ClinVar aggregate classification (germline): Uncertain significance (1 of 4 stars; one submission).

Submission:

Women's Health and Genetics/Laboratory Corporation of America, LabCorp
Classification: Uncertain significance. Last evaluated: 2026-02-19. Review status: criteria provided, single submitter. Criteria: LabCorp Variant Classification Summary - May 2015. Collection method: clinical testing. Allele origin: germline.
Comment: Variant summary: COL5A1 c.3797A>T (p.Asp1266Val) results in a non-conservative amino acid change in the encoded protein sequence. Algorithms developed to predict the effect of missense changes on protein structure and function all suggest that this variant is likely to be disruptive. The frequency data for this variant in gnomAD is considered unreliable, as metrics indicate poor data quality at this position. To our knowledge, no occurrence of c.3797A>T in individuals affected with COL5A1-related conditions and no experimental evidence demonstrating its impact on protein function have been reported. No submitters have cited clinical-significance assessments for this variant to ClinVar. Based on the evidence outlined above, the variant was classified as uncertain significance.

NM_000093.5(COL5A1):c.3797A>T (p.Asp1266Val)

Gene: COL5A1 (collagen type V alpha 1 chain; plus strand). Cytogenetic location: 9q34.3.
Variant type: single nucleotide variant.
Coding change: c.3797A>T on transcript NM_000093.5 (MANE Select); coding-DNA position 3797, A replaced by T.
Protein change: p.Asp1266Val; replaces aspartic acid 1266 with valine.
Molecular consequence: missense variant.
Genome position (GRCh38, 1-based): chr9:134,812,657, A>T. VCF-style: chr9-134812657-A-T. GRCh37 (hg19) VCF-style: chr9-137704503-A-T.
Other names: c.3797A>T, p.Asp1266Val (NM_001278074.1); short protein forms D1266V.
Identifiers: ClinVar variation 4848211 (VCV004848211.1).
Genomic context (GRCh38, chr9:134,812,657, plus strand): 5'-TTTCCTAGGGCCCCCCGGGTCCCCCTGGCCCCCGAGGACCCTCCGGAGCTCCAGGTGCTG[A>T]TGGCCCACAAGGTCCCCCAGGTGGAATAGGAAACCCTGGTGCAGTGGGAGAGAAGGTGAG-3'
Protein context (NP_000084.3, residues 1256-1276): PRGPSGAPGA[Asp1266Val]GPQGPPGGIG